The following is an entry in ClinVar:

ClinVar aggregate classification (germline): Uncertain significance. Review status: criteria provided, multiple submitters, no conflicts (2 of 4 stars). 2 submissions from 2 submitters: Uncertain significance (2). Last evaluated 2023-12-01.

Conditions:
Cataract 36. Identifiers: MedGen C3151304, MONDO:0013484, OMIM 613887.

Allele frequency attached by ClinVar (database versions not stated): ExAC 0.00024; ESP Exome Variant Server 0.00031; TOPMed 0.00031; gnomAD 0.00032 and 0.00033.
gnomAD v4.1: 804 of 1,613,232 alleles (0.05%); highest among the groups gnomAD compares: Non-Finnish European, 0.063%; no homozygotes.

Submissions (2):

CeGaT Center for Human Genetics Tuebingen
Classification: Uncertain significance. Last evaluated: 2023-12-01. Review status: criteria provided, single submitter. Criteria: CeGaT Center For Human Genetics Tuebingen Variant Classification Criteria Version 2. Collection method: clinical testing. Allele origin: germline. Affected: yes. Observed: 1 variant allele.
Comment: TDRD7: PM2

Illumina Laboratory Services, Illumina
Classification: Uncertain significance for Cataract 36. Last evaluated: 2018-01-13. Review status: criteria provided, single submitter. Criteria: ICSL Variant Classification Criteria 13 December 2019. Collection method: clinical testing. Allele origin: germline.

NM_014290.3(TDRD7):c.2791C>T (p.Pro931Ser)

Gene: TDRD7 (tudor domain containing 7; plus strand). Cytogenetic location: 9q22.33.
Variant type: single nucleotide variant.
Coding change: c.2791C>T on transcript NM_014290.3 (MANE Select); coding-DNA position 2791, C replaced by T.
Protein change: p.Pro931Ser; replaces proline 931 with serine.
Molecular consequence: missense variant.
Genome position (GRCh38, 1-based): chr9:97,483,227, C>T. VCF-style: chr9-97483227-C-T. GRCh37 (hg19) VCF-style: chr9-100245509-C-T.
Other names: c.2569C>T, p.Pro857Ser (NM_001302884.2); short protein forms P931S, P857S.
Identifiers: ClinVar variation 364078 (VCV000364078.27), dbSNP rs146083361, ClinGen allele CA5147012.
Genomic context (GRCh38, chr9:97,483,227, plus strand): 5'-GGGGAACACATGGATGTGTATGTGCCTGTGGCCTGTCACCCAGGCTACTTCGTCATCCAG[C>T]CTTGGCAGGAGATACATAAGTTGGAAGTTCTGATGGAAGAGATGATTCTATATTACAGCG-3'
Protein context (NP_055105.2, residues 921-941): ACHPGYFVIQ[Pro931Ser]WQEIHKLEVL